The following is an entry in ClinVar:

ClinVar aggregate classification (germline): Uncertain significance (1 of 4 stars; one submission).

Conditions:
Fanconi anemia (FA). Also called: Fanconi's anemia. Identifiers: Orphanet 84, MedGen C0015625, MeSH D005199, MONDO:0019391.

Allele frequency attached by ClinVar (database versions not stated): gnomAD exomes below 0.00001 and 0.00001; TOPMed 0.00002.
gnomAD v4.1: 6 of 1,613,516 alleles (0.00037%); highest among the groups gnomAD compares: East Asian, 0.011%; no homozygotes.

Submission:

Labcorp Genetics (formerly Invitae), Labcorp
Classification: Uncertain significance for Fanconi anemia. Last evaluated: 2022-06-23. Review status: criteria provided, single submitter. Criteria: Invitae Variant Classification Sherloc (09022015). Collection method: clinical testing. Allele origin: germline.
Comment: This sequence change replaces glutamine, which is neutral and polar, with lysine, which is basic and polar, at codon 504 of the FANCI protein (p.Gln504Lys). This variant is present in population databases (no rsID available, gnomAD 0.006%). This variant has not been reported in the literature in individuals affected with FANCI-related conditions. ClinVar contains an entry for this variant (Variation ID: 1004498). Algorithms developed to predict the effect of missense changes on protein structure and function are either unavailable or do not agree on the potential impact of this missense change (SIFT: "Tolerated"; PolyPhen-2: "Possibly Damaging"; Align-GVGD: "Class C0"). In summary, the available evidence is currently insufficient to determine the role of this variant in disease. Therefore, it has been classified as a Variant of Uncertain Significance.

NM_001113378.2(FANCI):c.1510C>A (p.Gln504Lys)

Gene: FANCI (FA complementation group I; plus strand). Cytogenetic location: 15q26.1.
Variant type: single nucleotide variant.
Coding change: c.1510C>A on transcript NM_001113378.2 (MANE Select); coding-DNA position 1510, C replaced by A.
Protein change: p.Gln504Lys; replaces glutamine 504 with lysine.
Molecular consequence: missense variant.
Genome position (GRCh38, 1-based): chr15:89,281,298, C>A. VCF-style: chr15-89281298-C-A. GRCh37 (hg19) VCF-style: chr15-89824529-C-A.
Other names: c.1231C>A, p.Gln411Lys (NM_001376910.1); c.1510C>A, p.Gln504Lys (NM_001376911.1, NM_018193.3); short protein forms Q411K, Q504K.
Identifiers: ClinVar variation 1004498 (VCV001004498.6), dbSNP rs554471987, ClinGen allele CA393744446.